The following is an entry in ClinVar:

NM_000047.3(ARSL):c.970G>A (p.Glu324Lys)

Gene: ARSL (arylsulfatase L; minus strand). Cytogenetic location: Xp22.33.
Variant type: single nucleotide variant.
Coding change: c.970G>A on transcript NM_000047.3 (MANE Select); coding-DNA position 970, G replaced by A.
Protein change: p.Glu324Lys; replaces glutamic acid 324 with lysine.
Molecular consequence: missense variant.
Genome position (GRCh38, 1-based): chrX:2,946,019, C>T on the plus strand (G>A on the coding strand, the complement: ARSL is on the minus strand). VCF-style: chrX-2946019-C-T. GRCh37 (hg19) VCF-style: chrX-2864060-C-T.
Other names: c.1045G>A, p.Glu349Lys (NM_001282628.2, NM_001369080.1); c.808G>A, p.Glu270Lys (NM_001282631.2); c.997G>A, p.Glu333Lys (NM_001369079.1); short protein forms E324K, E270K, E333K, E349K.
Identifiers: ClinVar variation 465028 (VCV000465028.10), dbSNP rs1555909467, ClinGen allele CA412279539.
Genomic context (GRCh38, chrX:2,946,019, plus strand): 5'-GGAAGGGAAGCAGCCCATTTTCCCTGGAAGTGCACTTACCTACCATCCAGTCCATCTCCT[C>T]TACGTTGTCCCCATACAGCCCGTGGAGACTCTTCCCGAGGAAGTTCTCCATAGTGATAAG-3'
Protein context (NP_000038.2, residues 314-334): SLHGLYGDNV[Glu324Lys]EMDWMVGRIL

ClinVar aggregate classification (germline): Uncertain significance (1 of 4 stars; one submission).

Conditions:
Chondrodysplasia punctata, brachytelephalangic, autosomal. Also called: BRACHYTELEPHALANGIC CHONDRODYSPLASIA PUNCTATA. Identifiers: MedGen C1844853, MONDO:0011238, OMIM 602497.

Submission:

Labcorp Genetics (formerly Invitae), Labcorp
Classification: Uncertain significance for Chondrodysplasia punctata, brachytelephalangic, autosomal. Last evaluated: 2016-12-19. Review status: criteria provided, single submitter. Criteria: Invitae Variant Classification Sherloc (09022015). Collection method: clinical testing. Allele origin: germline.
Comment: This sequence change replaces glutamic acid with lysine at codon 324 of the ARSE protein (p.Glu324Lys). The glutamic acid residue is highly conserved and there is a small physicochemical difference between glutamic acid and lysine. This variant is not present in population databases (ExAC no frequency) and has not been reported in the literature in individuals with a ARSE-related disease. Algorithms developed to predict the effect of missense changes on protein structure and function do not agree on the potential impact of this missense change (SIFT: "Deleterious"; PolyPhen-2: "Probably Damaging"; Align-GVGD: "Class C0"). In summary, this variant is a novel missense change with uncertain impact on protein function. It has been classified as a Variant of Uncertain Significance.